The following is an entry in ClinVar:

NM_032043.3(BRIP1):c.526T>G (p.Phe176Val)

Gene: BRIP1 (BRCA1 interacting DNA helicase 1; minus strand). Cytogenetic location: 17q23.2.
Variant type: single nucleotide variant.
Coding change: c.526T>G on transcript NM_032043.3 (MANE Select); coding-DNA position 526, T replaced by G.
Protein change: p.Phe176Val; replaces phenylalanine 176 with valine.
Molecular consequence: missense variant.
Genome position (GRCh38, 1-based): chr17:61,847,202, A>C on the plus strand (T>G on the coding strand, the complement: BRIP1 is on the minus strand). VCF-style: chr17-61847202-A-C. GRCh37 (hg19) VCF-style: chr17-59924563-A-C.
Other names: c.526T>G (NM_032043.2); short protein forms F176V.
Identifiers: ClinVar variation 1420994 (VCV001420994.8), dbSNP rs746963627, ClinGen allele CA8690911.
Genomic context (GRCh38, chr17:61,847,202, plus strand): 5'-TGAGTTTTACAGTCTTTCCTGAATCAACTTTTGCATCCAAATTGTGTACTTCTGTTCCAA[A>C]GCAATGACGTTTTCTAATCTGTAAACACAGAACCAAAATGAAGTTTAAGGTGAACTAGAA-3'
Protein context (NP_114432.2, residues 166-186): TTQQIRKRHC[Phe176Val]GTEVHNLDAK

ClinVar aggregate classification (germline): Uncertain significance. Review status: criteria provided, multiple submitters, no conflicts (2 of 4 stars). 2 submissions from 2 submitters: Uncertain significance (2). Last evaluated 2025-03-19.

Conditions:
Familial cancer of breast. Also called: BREAST CANCER, FAMILIAL; hereditary breast carcinoma; Hereditary breast cancer. Identifiers: Orphanet 227535, MedGen C0346153, MONDO:0016419, OMIM 114480. Disease mechanism: loss of function.
Fanconi anemia complementation group J. Also called: BRIP1-Related Fanconi Anemia. Identifiers: Orphanet 84, MedGen C1836860, MONDO:0012187, OMIM 609054.
Hereditary cancer-predisposing syndrome. Also called: Hereditary neoplastic syndrome; Tumor predisposition; Hereditary Cancer Syndrome; Neoplastic Syndromes, Hereditary. Identifiers: Orphanet 140162, MedGen C0027672, MeSH D009386, MONDO:0015356.

Allele frequency attached by ClinVar (database versions not stated): gnomAD exomes below 0.00001; ExAC 0.00001.
gnomAD v4.1: 1 of 1,613,818 alleles (0.000062%); highest among the groups gnomAD compares: Non-Finnish European, 0.000085%; no homozygotes.

Submissions (2):

Ambry Genetics
Classification: Uncertain significance for Hereditary cancer-predisposing syndrome. Last evaluated: 2025-03-19. Review status: criteria provided, single submitter. Criteria: Ambry Variant Classification Scheme 2023. Collection method: clinical testing. Allele origin: germline.
Comment: The p.F176V variant (also known as c.526T>G), located in coding exon 5 of the BRIP1 gene, results from a T to G substitution at nucleotide position 526. The phenylalanine at codon 176 is replaced by valine, an amino acid with highly similar properties. This amino acid position is conserved. In addition, this alteration is predicted to be tolerated by in silico analysis. Based on the available evidence, the clinical significance of this variant remains unclear.

Labcorp Genetics (formerly Invitae), Labcorp
Classification: Uncertain significance for Familial cancer of breast; Fanconi anemia complementation group J. Last evaluated: 2021-10-14. Review status: criteria provided, single submitter. Criteria: Invitae Variant Classification Sherloc (09022015). Collection method: clinical testing. Allele origin: germline.
Comment: This sequence change replaces phenylalanine with valine at codon 176 of the BRIP1 protein (p.Phe176Val). The phenylalanine residue is weakly conserved and there is a small physicochemical difference between phenylalanine and valine. This variant is present in population databases (rs746963627, ExAC 0.001%). This variant has not been reported in the literature in individuals affected with BRIP1-related conditions. Algorithms developed to predict the effect of missense changes on protein structure and function (SIFT, PolyPhen-2, Align-GVGD) all suggest that this variant is likely to be tolerated. In summary, the available evidence is currently insufficient to determine the role of this variant in disease. Therefore, it has been classified as a Variant of Uncertain Significance.